The following is an entry in ClinVar:

NM_201384.3(PLEC):c.11393G>A (p.Arg3798Gln)

Gene: PLEC (plectin; minus strand). Cytogenetic location: 8q24.3.
Variant type: single nucleotide variant.
Coding change: c.11393G>A on transcript NM_201384.3 (MANE Select); coding-DNA position 11393, G replaced by A.
Protein change: p.Arg3798Gln; replaces arginine 3798 with glutamine.
Molecular consequence: missense variant.
Genome position (GRCh38, 1-based): chr8:143,918,428, C>T on the plus strand (G>A on the coding strand, the complement: PLEC is on the minus strand). VCF-style: chr8-143918428-C-T. GRCh37 (hg19) VCF-style: chr8-144992596-C-T.
Other names: c.11474G>A (NM_000445.3, NM_000445.4); c.11297G>A, p.Arg3766Gln (NM_201381.3); c.11393G>A, p.Arg3798Gln (NM_201382.4); c.11405G>A, p.Arg3802Gln (NM_201383.3); c.11474G>A, p.Arg3825Gln (NM_000445.5); c.11351G>A, p.Arg3784Gln (NM_201378.4); c.11327G>A, p.Arg3776Gln (NM_201379.3); c.11804G>A, p.Arg3935Gln (NM_201380.4); short protein forms R3776Q, R3798Q, R3935Q, R3766Q, R3802Q, R3784Q, R3825Q.
Identifiers: ClinVar variation 1426928 (VCV001426928.32), dbSNP rs781872730, ClinGen allele CA4924360.

ClinVar aggregate classification (germline): Uncertain significance. Review status: criteria provided, multiple submitters, no conflicts (2 of 4 stars). 4 submissions from 4 submitters: Uncertain significance (4). Last evaluated 2026-03-26.

Conditions:
PLEC-related disorder. Also called: PLEC-related condition; PLEC-related disorders.
Epidermolysis bullosa simplex, Ogna type (EBS5A). Also called: EPIDERMOLYSIS BULLOSA SIMPLEX 5A, OGNA TYPE; Pidermolysis bullosa simplex 5A, Ogna type. Identifiers: Orphanet 79401, MedGen C0432317, MONDO:0007555, OMIM 131950.
Epidermolysis bullosa simplex 5C, with pyloric atresia (EBS5C). Also called: PLEC1-Related Epidermolysis Bullosa with Pyloric Atresia; PLEC-Related Epidermolysis Bullosa with Pyloric Atresia; Epidermolysis bullosa simplex with pyloric atresia. Identifiers: Orphanet 158684, MedGen C2677349, MONDO:0012807, OMIM 612138.
Epidermolysis bullosa simplex 5B, with muscular dystrophy (EBS5B). Also called: Epidermolysis bullosa simplex with muscular dystrophy; EPIDERMOLYSIS BULLOSA SIMPLEX AND LIMB-GIRDLE MUSCULAR DYSTROPHY. Identifiers: Orphanet 257, MedGen C2931072, MONDO:0009181, OMIM 226670.
Autosomal recessive limb-girdle muscular dystrophy type 2Q (LGMDR17). Also called: MUSCULAR DYSTROPHY, LIMB-GIRDLE, AUTOSOMAL RECESSIVE 17. Identifiers: Orphanet 254361, MedGen C3150989, MONDO:0013390, OMIM 613723.
Epidermolysis bullosa simplex with nail dystrophy (EBS5D). Identifiers: MedGen C4225309, MONDO:0014661, OMIM 616487.
Inborn genetic diseases. Identifiers: MedGen C0950123, MeSH D030342.

Allele frequency attached by ClinVar (database versions not stated): gnomAD exomes 0.00003 and 0.00008; TOPMed 0.00003; gnomAD 0.00007; ExAC 0.00008.

Submissions (4):

PreventionGenetics, part of Exact Sciences
Classification: Uncertain significance for PLEC-related condition. Last evaluated: 2026-03-26. Review status: criteria provided, single submitter. Criteria: ACMG Guidelines, 2015. Collection method: clinical testing. Allele origin: germline.
Comment: The PLEC c.11474G>A variant is predicted to result in the amino acid substitution p.Arg3825Gln. To our knowledge, this variant has not been reported in the literature. This variant is reported in 0.034% of alleles in individuals of Latino descent in gnomAD. At this time, the clinical significance of this variant is uncertain due to the absence of conclusive functional and genetic evidence.

Labcorp Genetics (formerly Invitae), Labcorp
Classification: Uncertain significance for Autosomal recessive limb-girdle muscular dystrophy type 2Q; Epidermolysis bullosa simplex, Ogna type; Epidermolysis bullosa simplex with nail dystrophy; Epidermolysis bullosa simplex 5C, with pyloric atresia; Epidermolysis bullosa simplex 5B, with muscular dystrophy. Last evaluated: 2025-03-05. Review status: criteria provided, single submitter. Criteria: Invitae Variant Classification Sherloc (09022015). Collection method: clinical testing. Allele origin: germline.
Comment: This sequence change replaces arginine, which is basic and polar, with glutamine, which is neutral and polar, at codon 3825 of the PLEC protein (p.Arg3825Gln). This variant is present in population databases (rs781872730, gnomAD 0.03%). This variant has not been reported in the literature in individuals affected with PLEC-related conditions. ClinVar contains an entry for this variant (Variation ID: 1426928). An algorithm developed to predict the effect of missense changes on protein structure and function (PolyPhen-2) suggests that this variant is likely to be disruptive. In summary, the available evidence is currently insufficient to determine the role of this variant in disease. Therefore, it has been classified as a Variant of Uncertain Significance.

CeGaT Center for Human Genetics Tuebingen
Classification: Uncertain significance. Last evaluated: 2022-12-01. Review status: criteria provided, single submitter. Criteria: CeGaT Center For Human Genetics Tuebingen Variant Classification Criteria Version 2. Collection method: clinical testing. Allele origin: germline. Affected: yes. Observed: 1 variant allele.

Ambry Genetics
Classification: Uncertain significance for Inborn genetic diseases. Last evaluated: 2022-05-25. Review status: criteria provided, single submitter. Criteria: Ambry Variant Classification Scheme 2023. Collection method: clinical testing. Allele origin: germline.